The following is an entry in ClinVar:

NM_001242957.3(MAK):c.599T>C (p.Phe200Ser)

Gene: MAK (male germ cell associated kinase; minus strand). Cytogenetic location: 6p24.2.
Variant type: single nucleotide variant.
Coding change: c.599T>C on transcript NM_001242957.3 (MANE Select); coding-DNA position 599, T replaced by C.
Protein change: p.Phe200Ser; replaces phenylalanine 200 with serine.
Molecular consequence: missense variant. On other transcripts: non-coding transcript variant (2).
Genome position (GRCh38, 1-based): chr6:10,803,784, A>G on the plus strand (T>C on the coding strand, the complement: MAK is on the minus strand). VCF-style: chr6-10803784-A-G. GRCh37 (hg19) VCF-style: chr6-10804017-A-G.
Other names: c.599T>C, p.Phe200Ser (NM_001242385.2, NM_005906.6); c.497T>C, p.Phe166Ser (NM_001377262.1); short protein forms F166S, F200S.
Identifiers: ClinVar variation 1917518 (VCV001917518.3), dbSNP rs369797377, ClinGen allele CA3633671.

ClinVar aggregate classification (germline): Uncertain significance. Review status: criteria provided, multiple submitters, no conflicts (2 of 4 stars). 2 submissions from 2 submitters: Uncertain significance (2). Last evaluated 2022-10-08.

Allele frequency attached by ClinVar (database versions not stated): gnomAD exomes below 0.00001; ExAC 0.00001; gnomAD 0.00001; TOPMed 0.00004; ESP Exome Variant Server 0.00008.
gnomAD v4.1: 4 of 1,614,004 alleles (0.00025%); highest among the groups gnomAD compares: African/African-American, 0.0053%; no homozygotes.

Submissions (2):

Labcorp Genetics (formerly Invitae), Labcorp
Classification: Uncertain significance. Last evaluated: 2022-10-08. Review status: criteria provided, single submitter. Criteria: Invitae Variant Classification Sherloc (09022015). Collection method: clinical testing. Allele origin: germline.
Comment: This sequence change replaces phenylalanine, which is neutral and non-polar, with serine, which is neutral and polar, at codon 200 of the MAK protein (p.Phe200Ser). This variant is present in population databases (rs369797377, gnomAD 0.01%). This variant has not been reported in the literature in individuals affected with MAK-related conditions. Advanced modeling of protein sequence and biophysical properties (such as structural, functional, and spatial information, amino acid conservation, physicochemical variation, residue mobility, and thermodynamic stability) performed at Invitae indicates that this missense variant is expected to disrupt MAK protein function. In summary, the available evidence is currently insufficient to determine the role of this variant in disease. Therefore, it has been classified as a Variant of Uncertain Significance.

Blueprint Genetics
Classification: Uncertain significance. Last evaluated: 2022-09-22. Review status: criteria provided, single submitter. Criteria: ACMG Guidelines, 2015. Collection method: clinical testing. Allele origin: germline.